The following is an entry in ClinVar:

Conditions:
Arteriohepatic dysplasia. Also called: Alagille Syndrome. Identifiers: Orphanet 52, MedGen C0085280, MeSH D016738, MONDO:0007318.

Submission:

Gilbert/Spinner Lab, Children's Hospital of Philadelphia
No classification provided (evidence only). Condition: Alagille syndrome. Review status: no classification provided. Collection method: research. Allele origin: not applicable. Functional consequence: functionally_abnormal.
ClinVar note: "not provided" was previously submitted as the classification for the variant. However, the classification appeared to be based only on an observation of functional data so it was converted to no classification on 2025-07-30.

NM_000214.3(JAG1):c.337C>A (p.Arg113Ser)

Gene: JAG1 (jagged canonical Notch ligand 1; minus strand). Cytogenetic location: 20p12.2.
Variant type: single nucleotide variant.
Coding change: c.337C>A on transcript NM_000214.3 (MANE Select); coding-DNA position 337, C replaced by A.
Protein change: p.Arg113Ser; replaces arginine 113 with serine.
Molecular consequence: missense variant.
Genome position (GRCh38, 1-based): chr20:10,672,751, G>T on the plus strand (C>A on the coding strand, the complement: JAG1 is on the minus strand). VCF-style: chr20-10672751-G-T. GRCh37 (hg19) VCF-style: chr20-10653399-G-T.
Other names: short protein forms R113S.
Identifiers: ClinVar variation 3573272 (VCV003573272.2).